The following is an entry in ClinVar:

ClinVar aggregate classification (germline): Likely benign (0 of 4 stars; one submission).

Conditions:
TBC1D23-related disorder. Also called: TBC1D23-related condition.

Allele frequency attached by ClinVar (database versions not stated): 1000 Genomes Project 0.00120; 1000 Genomes Project 30x 0.00125; ESP Exome Variant Server 0.00131.
gnomAD v4.1: 264 of 1,590,798 alleles (0.017%); highest among the groups gnomAD compares: African/African-American, 0.28%; 3 homozygotes.

Submission:

PreventionGenetics, part of Exact Sciences
Classification: Likely benign for TBC1D23-related condition. Last evaluated: 2019-10-28. Review status: no assertion criteria provided. Collection method: clinical testing. Allele origin: germline.
Comment: This variant is classified as likely benign based on ACMG/AMP sequence variant interpretation guidelines (Richards et al. 2015 PMID: 25741868, with internal and published modifications).

NM_001199198.3(TBC1D23):c.2013C>A (p.Ile671=)

Gene: TBC1D23 (TBC1 domain family member 23; plus strand). Cytogenetic location: 3q12.2.
Variant type: single nucleotide variant.
Coding change: c.2013C>A on transcript NM_001199198.3 (MANE Select); coding-DNA position 2013, C replaced by A.
Protein change: p.Ile671=; no amino-acid change (isoleucine 671 retained).
Molecular consequence: synonymous variant.
Genome position (GRCh38, 1-based): chr3:100,320,966, C>A. VCF-style: chr3-100320966-C-A. GRCh37 (hg19) VCF-style: chr3-100039810-C-A.
Other names: c.1968C>A, p.Ile656= (NM_018309.5).
Identifiers: ClinVar variation 3039999 (VCV003039999.2), dbSNP rs111649998, ClinGen allele CA2514892.